The following is an entry in ClinVar:

ClinVar aggregate classification (germline): Uncertain significance (1 of 4 stars; one submission).

Conditions:
Hereditary cancer-predisposing syndrome. Also called: Hereditary neoplastic syndrome; Neoplastic Syndromes, Hereditary; Tumor predisposition; Hereditary Cancer Syndrome. Identifiers: Orphanet 140162, MedGen C0027672, MeSH D009386, MONDO:0015356.

Submission:

Ambry Genetics
Classification: Uncertain significance for Hereditary cancer-predisposing syndrome. Last evaluated: 2025-08-27. Review status: criteria provided, single submitter. Criteria: Ambry Variant Classification Scheme 2023. Collection method: clinical testing. Allele origin: germline.
Comment: The p.G229R variant (also known as c.685G>C), located in coding exon 8 of the MUTYH gene, results from a G to C substitution at nucleotide position 685. The glycine at codon 229 is replaced by arginine, an amino acid with dissimilar properties. This amino acid position is conserved. In addition, this alteration is predicted to be deleterious by in silico analysis. Based on the available evidence, the clinical significance of this variant remains unclear.

NM_001048174.2(MUTYH):c.601G>C (p.Gly201Arg)

Gene: MUTYH (mutY DNA glycosylase; minus strand). Cytogenetic location: 1p34.1.
Variant type: single nucleotide variant.
Coding change: c.601G>C on transcript NM_001048174.2 (MANE Select); coding-DNA position 601, G replaced by C.
Protein change: p.Gly201Arg; replaces glycine 201 with arginine.
Molecular consequence: missense variant. On other transcripts: non-coding transcript variant (7).
Genome position (GRCh38, 1-based): chr1:45,332,579, C>G on the plus strand (G>C on the coding strand, the complement: MUTYH is on the minus strand). VCF-style: chr1-45332579-C-G. GRCh37 (hg19) VCF-style: chr1-45798251-C-G.
Other names: c.685G>C, p.Gly229Arg (NM_001128425.2); c.646G>C, p.Gly216Arg (NM_001293190.2); c.634G>C, p.Gly212Arg (NM_001293191.2, NM_001407069.1, NM_001407077.1); c.325G>C, p.Gly109Arg (NM_001293192.2, NM_001293196.2, NM_001407091.1); c.601G>C, p.Gly201Arg (NM_001293195.2, NM_001407081.1, NM_001407088.1 and 6 more transcripts); c.256G>C, p.Gly86Arg (NM_001350650.2, NM_001407082.1, NM_001350651.2); c.559G>C, p.Gly187Arg (NM_001407080.1); c.643G>C, p.Gly215Arg (NM_001407083.1, NM_001407085.1); and 5 more; short protein forms G173R, G202R, G86R, G208R, G215R, G229R, G188R, G201R.
Identifiers: ClinVar variation 4113792 (VCV004113792.1).